The following is an entry in ClinVar:

NM_000321.3(RB1):c.1960+6T>C

Gene: RB1 (RB transcriptional corepressor 1; plus strand). Cytogenetic location: 13q14.2.
Variant type: single nucleotide variant.
Coding change: c.1960+6T>C on transcript NM_000321.3 (MANE Select); 6 bases into the intron after coding-DNA position 1960, T replaced by C.
Molecular consequence: intron variant.
Genome position (GRCh38, 1-based): chr13:48,456,355, T>C. VCF-style: chr13-48456355-T-C. GRCh37 (hg19) VCF-style: chr13-49030491-T-C.
Identifiers: ClinVar variation 2417197 (VCV002417197.6), dbSNP rs1949360394, ClinGen allele CA2580087593.

ClinVar aggregate classification (germline): Uncertain significance. Review status: criteria provided, multiple submitters, no conflicts (2 of 4 stars). 2 submissions from 2 submitters: Uncertain significance (2). Last evaluated 2023-09-25.

Conditions:
Retinoblastoma (RB1). Also called: RETINOBLASTOMA, SOMATIC. Identifiers: Orphanet 790, MedGen C0035335, MeSH D012175, MONDO:0008380, OMIM 180200, HP:0009919. Disease mechanism: loss of function. Inheritance: Both sporadic and heritable forms are tested..

Allele frequency attached by ClinVar (database versions not stated): gnomAD exomes below 0.00001.
gnomAD v4.1: 1 of 1,613,896 alleles (0.000062%); highest among the groups gnomAD compares: Non-Finnish European, 0.000085%; no homozygotes.

Submissions (2):

Labcorp Genetics (formerly Invitae), Labcorp
Classification: Uncertain significance for Retinoblastoma. Last evaluated: 2023-09-25. Review status: criteria provided, single submitter. Criteria: Invitae Variant Classification Sherloc (09022015). Collection method: clinical testing. Allele origin: germline.
Comment: In summary, the available evidence is currently insufficient to determine the role of this variant in disease. Therefore, it has been classified as a Variant of Uncertain Significance. Variants that disrupt the consensus splice site are a relatively common cause of aberrant splicing (PMID: 17576681, 9536098). Algorithms developed to predict the effect of sequence changes on RNA splicing suggest that this variant is not likely to affect RNA splicing. ClinVar contains an entry for this variant (Variation ID: 2417197). This variant has not been reported in the literature in individuals affected with RB1-related conditions. This variant is not present in population databases (gnomAD no frequency). This sequence change falls in intron 19 of the RB1 gene. It does not directly change the encoded amino acid sequence of the RB1 protein. It affects a nucleotide within the consensus splice site.

All of Us Research Program, National Institutes of Health
Classification: Uncertain significance for Retinoblastoma. Last evaluated: 2023-05-04. Review status: criteria provided, single submitter. Criteria: ACMG Guidelines, 2015. Collection method: clinical testing. Allele origin: germline. Inheritance: Autosomal dominant inheritance. Observed: 1 variant allele, 1 heterozygote.
Comment: This variant causes a T to C nucleotide substitution at the +6 position of intron 19 of the RB1 gene. To our knowledge, functional studies have not been reported for this variant. This variant has not been reported in individuals affected with RB1-related disorders in the literature. This variant has not been identified in the general population by the Genome Aggregation Database (gnomAD). The available evidence is insufficient to determine the role of this variant in disease conclusively. Therefore, this variant is classified as a Variant of Uncertain Significance.

This study involves interpretation of variants in research participants for the purpose of population health screening. Participant phenotype was not available at the time of variant classification. Additional details can be found in publication PMID: 35346344, PMCID: PMC8962531

Literature cited by the submitters: PubMed 17576681 (cited by Labcorp Genetics (formerly Invitae), Labcorp); PubMed 9536098 (cited by Labcorp Genetics (formerly Invitae), Labcorp).